The following is an entry in ClinVar:

NM_004006.3(DMD):c.7455G>T (p.Trp2485Cys)

Gene: DMD (dystrophin; minus strand). Cytogenetic location: Xp21.1.
Variant type: single nucleotide variant.
Coding change: c.7455G>T on transcript NM_004006.3 (MANE Select); coding-DNA position 7455, G replaced by T.
Protein change: p.Trp2485Cys; replaces tryptophan 2485 with cysteine.
Molecular consequence: missense variant.
Genome position (GRCh38, 1-based): chrX:31,774,047, C>A on the plus strand (G>T on the coding strand, the complement: DMD is on the minus strand). VCF-style: chrX-31774047-C-A. GRCh37 (hg19) VCF-style: chrX-31792164-C-A.
Other names: c.7431G>T, p.Trp2477Cys (NM_000109.4); c.7443G>T, p.Trp2481Cys (NM_004009.3); c.7086G>T, p.Trp2362Cys (NM_004010.3); c.3432G>T, p.Trp1144Cys (NM_004011.4); c.3423G>T, p.Trp1141Cys (NM_004012.4); c.75G>T, p.Trp25Cys (NM_004013.3, NM_004020.4, NM_004021.3 and 2 more transcripts); short protein forms W2485C, W1141C, W2362C, W2481C, W25C, W1144C, W2477C.
Identifiers: ClinVar variation 598379 (VCV000598379.18), dbSNP rs765207227, ClinGen allele CA10378272.

ClinVar aggregate classification (germline): Conflicting classifications of pathogenicity. Review status: criteria provided, conflicting classifications (1 of 4 stars). 6 submissions from 6 submitters: Uncertain significance (4); Likely benign (1). 1 of the submissions does not count toward it. Last evaluated 2026-02-02.

Conditions:
Cardiomyopathy (CMYO). Also called: Cardiomyopathies. Identifiers: Orphanet 167848, MedGen C0878544, MONDO:0004994, HP:0001638. Inheritance: Various modes of inheritance.
Duchenne muscular dystrophy (DMD). Also called: MUSCULAR DYSTROPHY, PSEUDOHYPERTROPHIC PROGRESSIVE, DUCHENNE TYPE; Duchenne Muscular Dystrophy (DMD). Identifiers: Orphanet 98896, MedGen C0013264, MONDO:0010679, OMIM 310200.
Becker muscular dystrophy (BMD). Also called: MUSCULAR DYSTROPHY, PSEUDOHYPERTROPHIC PROGRESSIVE, BECKER TYPE; Becker Muscular Dystrophy (BMD). Identifiers: Orphanet 98895, MedGen C0917713, MONDO:0010311, OMIM 300376.
Dystrophin deficiency.
Cardiovascular phenotype. Identifiers: MedGen CN230736.

Allele frequency attached by ClinVar (database versions not stated): ExAC 0.00001; TOPMed 0.00001; gnomAD exomes 0.00002.
gnomAD v4.1: 22 of 1,210,427 alleles (0.0018%); highest among the groups gnomAD compares: Non-Finnish European, 0.0023%; no homozygotes.

Submissions (6):

Labcorp Genetics (formerly Invitae), Labcorp
Classification: Uncertain significance for Duchenne muscular dystrophy. Last evaluated: 2026-02-02. Review status: criteria provided, single submitter. Criteria: Invitae Variant Classification Sherloc (09022015). Collection method: clinical testing. Allele origin: germline.
Comment: This sequence change replaces tryptophan, which is neutral and slightly polar, with cysteine, which is neutral and slightly polar, at codon 2485 of the DMD protein (p.Trp2485Cys). This variant is present in population databases (rs765207227, gnomAD 0.004%). This variant has not been reported in the literature in individuals affected with DMD-related conditions. ClinVar contains an entry for this variant (Variation ID: 598379). Invitae Evidence Modeling of protein sequence and biophysical properties (such as structural, functional, and spatial information, amino acid conservation, physicochemical variation, residue mobility, and thermodynamic stability) has been performed for this missense variant. However, the output from this modeling did not meet the statistical confidence thresholds required to predict the impact of this variant on DMD protein function. In summary, the available evidence is currently insufficient to determine the role of this variant in disease. Therefore, it has been classified as a Variant of Uncertain Significance.

Molecular Diagnostic Laboratory for Inherited Cardiovascular Disease, Montreal Heart Institute
Classification: Uncertain significance for Cardiovascular phenotype. Last evaluated: 2025-04-08. Review status: criteria provided, single submitter. Criteria: ACMG Guidelines, 2015. Collection method: clinical testing. Allele origin: germline. Affected: yes.

Women's Health and Genetics/Laboratory Corporation of America, LabCorp
Classification: Likely benign. Last evaluated: 2024-12-11. Review status: criteria provided, single submitter. Criteria: LabCorp Variant Classification Summary - May 2015. Collection method: clinical testing. Allele origin: germline.
Comment: Variant summary: DMD c.7455G>T (p.Trp2485Cys) results in a non-conservative amino acid change in the encoded protein sequence. Five of five in-silico tools predict a damaging effect of the variant on protein function. The variant allele was found at a frequency of 1.8e-05 in 1210427 control chromosomes, predominantly at a frequency of 2.3e-05 within the Non-Finnish European subpopulation in the gnomAD database, including 7 hemizygotes. The observed variant frequency within Non-Finnish European control individuals in the gnomAD database is approximately 2.085 fold of the estimated maximal expected allele frequency for a pathogenic variant in DMD causing Duchenne Muscular Dystrophy phenotype (1.1e-05). To our knowledge, no occurrence of c.7455G>T in individuals affected with DMD-related conditions and no experimental evidence demonstrating its impact on protein function have been reported. ClinVar contains an entry for this variant (Variation ID: 598379). Based on the evidence outlined above, the variant was classified as likely benign.

Revvity Omics, Revvity
Classification: Uncertain significance. Last evaluated: 2021-06-03. Review status: criteria provided, single submitter. Criteria: ACMG Guidelines, 2015. Collection method: clinical testing. Allele origin: germline.

Eurofins Ntd Llc (ga)
Classification: Uncertain significance. Last evaluated: 2018-08-16. Review status: criteria provided, single submitter. Criteria: EGL ClinVar v180209 classification definitions. Collection method: clinical testing. Allele origin: germline. Observed: 1 variant allele, 1 heterozygote.

Natera, Inc.
Classification: Uncertain significance for Becker muscular dystrophy; Cardiomyopathy; Duchenne muscular dystrophy; Dystrophin deficiency. Last evaluated: 2018-07-04. Review status: no assertion criteria provided. Collection method: clinical testing. Allele origin: germline. Not counted in ClinVar's aggregate classification.